The following is an entry in ClinVar:

ClinVar aggregate classification (germline): Likely pathogenic (1 of 4 stars; one submission).

Conditions:
Hereditary spastic paraplegia. Also called: Familial spastic paraparesis. Identifiers: Orphanet 685, MedGen C0037773, MONDO:0019064. Disease mechanism: loss of function.

Submission:

Clinical Genetics Laboratory, Skane University Hospital Lund
Classification: Likely pathogenic for Hereditary spastic paraplegia. Last evaluated: 2024-07-30. Review status: criteria provided, single submitter. Criteria: ACMG Guidelines, 2015. Collection method: clinical testing. Allele origin: germline. Affected: yes.
Comment: PVS1, PM2

NM_014946.4(SPAST):c.1119del (p.Pro374fs)

Gene: SPAST (spastin; plus strand). Cytogenetic location: 2p22.3.
Variant type: Deletion.
Coding change: c.1119del on transcript NM_014946.4 (MANE Select); coding-DNA position 1119, one base deleted (T; older notation c.1119delT).
Protein change: p.Pro374fs; shifts the reading frame from proline 374.
Molecular consequence: frameshift variant.
Genome position (GRCh38, 1-based): chr2:32,126,968, T deleted. VCF-style (leftmost placement, unchanged base first): chr2-32126967-CT-C. GRCh37 (hg19) VCF-style: chr2-32352036-CT-C.
Other names: c.1116del, p.Pro373fs (NM_001363823.2); c.1020del, p.Pro341fs (NM_001363875.2); c.1023del, p.Pro342fs (NM_001377959.1, NM_199436.2); short protein forms P341fs, P342fs, P373fs, P374fs.
Identifiers: ClinVar variation 3767889 (VCV003767889.1).
Genomic context (GRCh38, chr2:32,126,967, plus strand): 5'-CTCTAGAATCATAGTTGTAAACTAAAGTATATATTTTTTAGTTGTTCACAGGGCTTAGAG[CT>C]CCTGCCAGAGGGCTGTTACTCTTTGGTCCACCTGGGAATGGGAAGACAATGCTGGTAAGG-3'